The following is an entry in ClinVar:

ClinVar aggregate classification (germline): Benign (1 of 4 stars; one submission).

Allele frequency attached by ClinVar (database versions not stated): gnomAD exomes 0.20663 and 0.22919; ExAC 0.21287; 1000 Genomes Project 0.21585; gnomAD 0.27996 and 0.29146; TOPMed 0.29936; ESP Exome Variant Server 0.31954.

Submission:

Laboratory for Molecular Medicine, Mass General Brigham Personalized Medicine
Classification: Benign. Last evaluated: 2016-03-28. Review status: criteria provided, single submitter. Criteria: LMM Criteria. Collection method: clinical testing. Allele origin: germline.
Comment: Variant identified in a genome or exome case(s) and assessed due to predicted null impact of the variant or pathogenic assertions in the literature or databases. Disclaimer: This variant has not undergone full assessment. The following are preliminary notes: Frequency in ESP (all): 4000/12518=31.95%

NM_001004752.2(OR51F1):c.295del (p.Arg99fs)

Genes: MMP26 (matrix metallopeptidase 26; plus strand), OR51F1 (olfactory receptor family 51 subfamily F member 1; minus strand). Cytogenetic location: 11p15.4.
Variant type: Deletion.
Coding change: c.295del on transcript NM_001004752.2 (MANE Select); coding-DNA position 295, one base deleted (C; older notation c.295delC).
Protein change: p.Arg99fs; shifts the reading frame from arginine 99.
Molecular consequence: frameshift variant.
Genome position (GRCh38, 1-based): chr11:4,769,644, G deleted on the plus strand (C on the coding strand, the reverse complement: OR51F1 is on the minus strand). VCF-style (leftmost placement, unchanged base first): chr11-4769643-CG-C. GRCh37 (hg19) VCF-style: chr11-4790873-CG-C.
Other names: short protein forms R99fs.
Identifiers: ClinVar variation 403275 (VCV000403275.4), dbSNP rs34672924, ClinGen allele CA5835285.